The following is an entry in ClinVar:

ClinVar aggregate classification (germline): Likely pathogenic (1 of 4 stars; one submission).

Conditions:
Woodhouse-Sakati syndrome. Also called: EXTRAPYRAMIDAL DISORDER, PROGRESSIVE, WITH PRIMARY HYPOGONADISM, MENTAL RETARDATION, AND ALOPECIA; Hypogonadism, Alopecia, Diabetes Mellitus, Mental Retardation, and Extrapyramidal Syndrome; Hypogonadism, diabetes mellitus, alopecia, mental retardation and electrocardiographic abnormalities. Identifiers: Orphanet 3464, MedGen C0342286, MONDO:0009419, OMIM 241080.

Submission:

Labcorp Genetics (formerly Invitae), Labcorp
Classification: Likely pathogenic for Woodhouse-Sakati syndrome. Last evaluated: 2025-10-05. Review status: criteria provided, single submitter. Criteria: Invitae Variant Classification Sherloc (09022015). Collection method: clinical testing. Allele origin: germline.
Comment: This sequence change affects an acceptor splice site in intron 8 of the DCAF17 gene. It is expected to disrupt RNA splicing. Variants that disrupt the donor or acceptor splice site typically lead to a loss of protein function (PMID: 16199547), and loss-of-function variants in DCAF17 are known to be pathogenic (PMID: 19026396, 20507343). This variant is not present in population databases (gnomAD no frequency). This variant has not been reported in the literature in individuals affected with DCAF17-related conditions. Algorithms developed to predict the effect of sequence changes on RNA splicing suggest that this variant may disrupt the consensus splice site. In summary, the currently available evidence indicates that the variant is pathogenic, but additional data are needed to prove that conclusively. Therefore, this variant has been classified as Likely Pathogenic.

Literature cited by the submitters: PubMed 16199547; PubMed 19026396; PubMed 20507343.

NM_025000.4(DCAF17):c.839-2A>G

Gene: DCAF17 (DDB1 and CUL4 associated factor 17; plus strand). Cytogenetic location: 2q31.1.
Variant type: single nucleotide variant.
Coding change: c.839-2A>G on transcript NM_025000.4 (MANE Select); the canonical splice acceptor site of the intron before coding-DNA position 839, A replaced by G.
Molecular consequence: splice acceptor variant.
Genome position (GRCh38, 1-based): chr2:171,468,886, A>G. VCF-style: chr2-171468886-A-G. GRCh37 (hg19) VCF-style: chr2-172325396-A-G.
Other names: c.839-2A>G (NM_001164821.2).
Identifiers: ClinVar variation 4781057 (VCV004781057.1).